The following is an entry in ClinVar:

ClinVar aggregate classification (germline): Benign. Review status: criteria provided, multiple submitters, no conflicts (2 of 4 stars). 5 submissions from 5 submitters: Benign (5). Last evaluated 2026-01-15.

Conditions:
Spastic paraplegia. Identifiers: MedGen C0037772, HP:0001258.
ZFYVE27-related disorder. Also called: ZFYVE27-related condition.
Hereditary spastic paraplegia 33. Also called: SPASTIC PARAPLEGIA 33, AUTOSOMAL DOMINANT. Identifiers: MedGen C1853251, MONDO:0012448, OMIM 610244.

Allele frequency attached by ClinVar (database versions not stated): gnomAD exomes 0.00059 and 0.00128; ExAC 0.00154; gnomAD 0.00539 and 0.00564; ESP Exome Variant Server 0.00546; TOPMed 0.00557; 1000 Genomes Project 30x 0.00609; 1000 Genomes Project 0.00619.
gnomAD v4.1: 1,808 of 1,614,102 alleles (0.11%); highest among the groups gnomAD compares: African/African-American, 1.8%; 19 homozygotes.

Submissions (5):

Labcorp Genetics (formerly Invitae), Labcorp
Classification: Benign for Spastic paraplegia. Last evaluated: 2026-01-15. Review status: criteria provided, single submitter. Criteria: Invitae Variant Classification Sherloc (09022015). Collection method: clinical testing. Allele origin: germline.

PreventionGenetics, part of Exact Sciences
Classification: Benign for ZFYVE27-related condition. Last evaluated: 2024-11-09. Review status: criteria provided, single submitter. Criteria: ACMG Guidelines, 2015. Collection method: clinical testing. Allele origin: germline.
Comment: This variant is classified as benign based on ACMG/AMP sequence variant interpretation guidelines (Richards et al. 2015 PMID: 25741868, with internal and published modifications).

Genome-Nilou Lab
Classification: Benign for Hereditary spastic paraplegia 33. Last evaluated: 2021-12-05. Review status: criteria provided, single submitter. Criteria: ACMG Guidelines, 2015. Collection method: clinical testing. Allele origin: germline. Affected: no.

Illumina Laboratory Services, Illumina
Classification: Benign for Hereditary spastic paraplegia 33. Last evaluated: 2018-01-12. Review status: criteria provided, single submitter. Criteria: ICSL Variant Classification Criteria 13 December 2019. Collection method: clinical testing. Allele origin: germline.
Comment: This variant was observed in the ICSL laboratory as part of a predisposition screen in an ostensibly healthy population. It had not been previously curated by ICSL or reported in the Human Gene Mutation Database (HGMD: prior to June 1st, 2018), and was therefore a candidate for classification through an automated scoring system. Utilizing variant allele frequency, disease prevalence and penetrance estimates, and inheritance mode, an automated score was calculated to assess if this variant is too frequent to cause the disease. Based on the score and internal cut-off values, a variant classified as benign is not then subjected to further curation. The score for this variant resulted in a classification of benign for this disease.

Breakthrough Genomics
Classification: Benign. Review status: criteria provided, single submitter. Criteria: ACMG Guidelines, 2015. Collection method: not provided. Allele origin: germline. Inheritance: Autosomal dominant inheritance. Affected: yes.

NM_001385875.1(ZFYVE27):c.32C>T (p.Pro11Leu)

Gene: ZFYVE27 (zinc finger FYVE-type containing 27; plus strand). Cytogenetic location: 10q24.2.
Variant type: single nucleotide variant.
Coding change: c.32C>T on transcript NM_001385875.1 (MANE Select); coding-DNA position 32, C replaced by T.
Protein change: p.Pro11Leu; replaces proline 11 with leucine.
Molecular consequence: missense variant. On other transcripts: 5 prime UTR variant (13), non-coding transcript variant (17), intron variant (5).
Genome position (GRCh38, 1-based): chr10:97,738,509, C>T. VCF-style: chr10-97738509-C-T. GRCh37 (hg19) VCF-style: chr10-99498266-C-T.
Other names: c.32C>T, p.Pro11Leu (NM_001002261.4, NM_001002262.4, NM_001174119.2 and 24 more transcripts); c.-148C>T (NM_001385890.1, NM_001385893.1, NM_001385895.1 and 2 more transcripts); c.-135C>T (NM_001385899.1, NM_001385900.1, NM_001385903.1 and 4 more transcripts); c.-163C>T (NM_001385915.1); c.-8+1188C>T (NM_001385891.1, NM_001385894.1, NM_001385892.1 and 1 more transcripts); c.-27+1188C>T (NM_001174121.2); short protein forms P11L.
Identifiers: ClinVar variation 301828 (VCV000301828.17), dbSNP rs112316490, ClinGen allele CA5635028.